The following is an entry in ClinVar:

ClinVar aggregate classification (germline): Uncertain significance. Review status: criteria provided, single submitter (1 of 4 stars). 2 submissions from 2 submitters: Uncertain significance (1). 1 of the submissions does not count toward it. Last evaluated 2022-09-13.

Conditions:
Cohen syndrome (COH1). Also called: Cutis verticis gyrata, retinitis pigmentosa, and sensorineural deafness; PEPPER SYNDROME. Identifiers: Orphanet 193, MedGen C0265223, MONDO:0008999, OMIM 216550.

Allele frequency attached by ClinVar (database versions not stated): TOPMed 0.00001; ExAC 0.00003; gnomAD exomes 0.00003.
gnomAD v4.1: 11 of 1,614,148 alleles (0.00068%); highest among the groups gnomAD compares: East Asian, 0.022%; no homozygotes.

Submissions (2):

Labcorp Genetics (formerly Invitae), Labcorp
Classification: Uncertain significance for Cohen syndrome. Last evaluated: 2022-09-13. Review status: criteria provided, single submitter. Criteria: Invitae Variant Classification Sherloc (09022015). Collection method: clinical testing. Allele origin: germline.
Comment: This sequence change replaces threonine, which is neutral and polar, with isoleucine, which is neutral and non-polar, at codon 374 of the VPS13B protein (p.Thr374Ile). This variant is present in population databases (rs753781360, gnomAD 0.05%). This variant has not been reported in the literature in individuals affected with VPS13B-related conditions. ClinVar contains an entry for this variant (Variation ID: 991206). Advanced modeling of protein sequence and biophysical properties (such as structural, functional, and spatial information, amino acid conservation, physicochemical variation, residue mobility, and thermodynamic stability) performed at Invitae indicates that this missense variant is not expected to disrupt VPS13B protein function. In summary, the available evidence is currently insufficient to determine the role of this variant in disease. Therefore, it has been classified as a Variant of Uncertain Significance.

Natera, Inc.
Classification: Likely benign for Cohen syndrome. Last evaluated: 2020-09-23. Review status: no assertion criteria provided. Collection method: clinical testing. Allele origin: germline. Not counted in ClinVar's aggregate classification.

NM_152564.5(VPS13B):c.1121C>T (p.Thr374Ile)

Gene: VPS13B (vacuolar protein sorting 13 homolog B; plus strand). Cytogenetic location: 8q22.2.
Variant type: single nucleotide variant.
Coding change: c.1121C>T on transcript NM_152564.5 (MANE Select); coding-DNA position 1121, C replaced by T.
Protein change: p.Thr374Ile; replaces threonine 374 with isoleucine.
Molecular consequence: missense variant. On other transcripts: non-coding transcript variant (1).
Genome position (GRCh38, 1-based): chr8:99,121,360, C>T. VCF-style: chr8-99121360-C-T. GRCh37 (hg19) VCF-style: chr8-100133588-C-T.
Other names: c.1121C>T, p.Thr374Ile (NM_015243.3, NM_017890.5, NM_181661.3); short protein forms T374I.
Identifiers: ClinVar variation 991206 (VCV000991206.5), dbSNP rs753781360, ClinGen allele CA4822549.
Genomic context (GRCh38, chr8:99,121,360, plus strand): 5'-CTGCAATTGTGAGTTATGACGATGGCGAGGAAGACTTTGTTGGGAACGATCCTGCATCAA[C>T]CATGCATCAACAAAAAGCACAGACTTTGAAGGATCCTATTGTTTCTATAGGATTTTATTG-3'
Protein context (NP_689777.3, residues 364-384): EDFVGNDPAS[Thr374Ile]MHQQKAQTLK